The following is an entry in ClinVar:

ClinVar aggregate classification (germline): Pathogenic (1 of 4 stars; one submission).

Conditions:
LAMA2-related muscular dystrophy (LAMA2-RD). Also called: Laminin alpha 2-related dystrophy. Identifiers: MedGen C5679788, MONDO:0100228.

Submission:

Labcorp Genetics (formerly Invitae), Labcorp
Classification: Pathogenic for LAMA2-related muscular dystrophy. Last evaluated: 2022-10-13. Review status: criteria provided, single submitter. Criteria: Invitae Variant Classification Sherloc (09022015). Collection method: clinical testing. Allele origin: germline.
Comment: For these reasons, this variant has been classified as Pathogenic. This variant has not been reported in the literature in individuals affected with LAMA2-related conditions. This variant is not present in population databases (gnomAD no frequency). This sequence change creates a premature translational stop signal (p.Thr955Alafs*118) in the LAMA2 gene. It is expected to result in an absent or disrupted protein product. Loss-of-function variants in LAMA2 are known to be pathogenic (PMID: 18700894, 32904964).

Literature cited by the submitters: PubMed 18700894; PubMed 32904964.

NM_000426.4(LAMA2):c.2863_2869del (p.Thr955fs)

Gene: LAMA2 (laminin subunit alpha 2; plus strand). Cytogenetic location: 6q22.33.
Variant type: Deletion.
Coding change: c.2863_2869del on transcript NM_000426.4 (MANE Select); coding-DNA positions 2863 to 2869, 7 bases deleted (ACCTTTG; older notation c.2863_2869delACCTTTG).
Protein change: p.Thr955fs; shifts the reading frame from threonine 955.
Molecular consequence: frameshift variant.
Genome position (GRCh38, 1-based): chr6:129,297,691-129,297,697, ACCTTTG deleted; deleting any 7 consecutive bases within chr6:129,297,690-129,297,697 gives the same sequence; the c. name uses the placement nearest the transcript's 3' end. VCF-style (leftmost placement, unchanged base first): chr6-129297689-GGACCTTT-G. GRCh37 (hg19) VCF-style: chr6-129618834-GGACCTTT-G.
Other names: c.2863_2869del, p.Thr955fs (NM_001079823.2); short protein forms T955fs.
Identifiers: ClinVar variation 2006878 (VCV002006878.4), dbSNP rs2482334689, ClinGen allele CA2580074943.